The following is an entry in ClinVar:

ClinVar aggregate classification (germline): Uncertain significance (1 of 4 stars; one submission).

Conditions:
Saldino-Mainzer syndrome (SRTD9). Also called: Renal dysplasia, retinal pigmentary dystrophy, cerebellar ataxia and skeletal dysplasia; CONORENAL SYNDROME; SHORT-RIB THORACIC DYSPLASIA 9 WITHOUT POLYDACTYLY; short-rib thoracic dysplasia 9 with or without polydactyly. Identifiers: Orphanet 140969, MedGen C1849437, MONDO:0009964, OMIM 266920.

Allele frequency attached by ClinVar (database versions not stated): gnomAD exomes below 0.00001.
gnomAD v4.1: 3 of 1,596,556 alleles (0.00019%); highest among the groups gnomAD compares: Non-Finnish European, 0.00026%; no homozygotes.

Submission:

Labcorp Genetics (formerly Invitae), Labcorp
Classification: Uncertain significance for Saldino-Mainzer syndrome. Last evaluated: 2020-11-13. Review status: criteria provided, single submitter. Criteria: Invitae Variant Classification Sherloc (09022015). Collection method: clinical testing. Allele origin: germline.
Comment: In summary, the available evidence is currently insufficient to determine the role of this variant in disease. Therefore, it has been classified as a Variant of Uncertain Significance. This sequence change replaces alanine with valine at codon 677 of the IFT140 protein (p.Ala677Val). The alanine residue is weakly conserved and there is a small physicochemical difference between alanine and valine. This variant is not present in population databases (ExAC no frequency). This variant has not been reported in the literature in individuals with IFT140-related conditions. Algorithms developed to predict the effect of missense changes on protein structure and function output the following: SIFT: "Tolerated"; PolyPhen-2: "Benign"; Align-GVGD: "Class C0". The valine amino acid residue is found in multiple mammalian species, suggesting that this missense change does not adversely affect protein function. These predictions have not been confirmed by published functional studies and their clinical significance is uncertain.

NM_014714.4(IFT140):c.2030C>T (p.Ala677Val)

Gene: IFT140 (intraflagellar transport 140; minus strand). Cytogenetic location: 16p13.3.
Variant type: single nucleotide variant.
Coding change: c.2030C>T on transcript NM_014714.4 (MANE Select); coding-DNA position 2030, C replaced by T.
Protein change: p.Ala677Val; replaces alanine 677 with valine.
Molecular consequence: missense variant.
Genome position (GRCh38, 1-based): chr16:1,564,034, G>A on the plus strand (C>T on the coding strand, the complement: IFT140 is on the minus strand). VCF-style: chr16-1564034-G-A. GRCh37 (hg19) VCF-style: chr16-1614035-G-A.
Other names: short protein forms A677V.
Identifiers: ClinVar variation 1499109 (VCV001499109.8), dbSNP rs1339244784, ClinGen allele CA394204836.